The following is an entry in ClinVar:

ClinVar aggregate classification (germline): Likely pathogenic (1 of 4 stars; one submission).

Conditions:
Alstrom syndrome (ALMS). Identifiers: Orphanet 64, MedGen C0268425, MONDO:0008763, OMIM 203800.

Submission:

Neuberg Centre For Genomic Medicine, NCGM
Classification: Likely pathogenic for Alstrom syndrome. Last evaluated: 2024-02-01. Review status: criteria provided, single submitter. Criteria: ACMG Guidelines, 2015. Collection method: clinical testing. Allele origin: germline. Inheritance: Autosomal recessive inheritance. Affected: yes.
Comment: The above variant has not been reported previously as a pathogenic variant nor as a benign variant, to our knowledge. This variant causes a frameshift starting with codon Tyrosine 1201, changes this amino acid to Leucine residue, and creates a premature Stop codon at position 8 of the new reading frame, denoted p.Tyr1201LeufsTer8. This variant is predicted to cause loss of normal protein function through protein truncation. Loss of function variants have been previously reported to be disease causing. For these reasons, this variant has been classified as Likely Pathogenic.

NM_001378454.1(ALMS1):c.3602dup (p.Tyr1202fs)

Gene: ALMS1 (ALMS1 centrosome and basal body associated protein; plus strand). Cytogenetic location: 2p13.1.
Variant type: Duplication.
Coding change: c.3602dup on transcript NM_001378454.1 (MANE Select); coding-DNA position 3602, one base duplicated (T; older notation c.3602dupT).
Protein change: p.Tyr1202fs; shifts the reading frame from tyrosine 1202.
Molecular consequence: frameshift variant.
Genome position (GRCh38, 1-based): chr2:73,450,129, T duplicated; the last of 4 consecutive T bases (chr2:73,450,126-73,450,129); duplicating any one gives the same sequence. VCF-style (leftmost placement, unchanged base first): chr2-73450125-A-AT. GRCh37 (hg19) VCF-style: chr2-73677252-A-AT.
Other names: c.3605dup, p.Tyr1203fs (NM_015120.4); c.3601dup (NM_001378454.1); short protein forms Y1202fs, Y1203fs.
Identifiers: ClinVar variation 3895512 (VCV003895512.1).